The following is an entry in ClinVar:

ClinVar aggregate classification (germline): Pathogenic/Likely pathogenic. Review status: criteria provided, multiple submitters, no conflicts (2 of 4 stars). 2 submissions from 2 submitters: Pathogenic (1); Likely pathogenic (1). Last evaluated 2024-07-19.

Conditions:
Ataxia-telangiectasia syndrome (AT). Also called: Cerebello-oculocutaneous telangiectasia; Immunodeficiency with ataxia telangiectasia; Ataxia-telangiectasia, complementation group D; AT, COMPLEMENTATION GROUP C; Ataxia-telangiectasia; Ataxia-telangiectasia, complementation group E. Identifiers: Orphanet 100, MedGen C0004135, MONDO:0008840, OMIM 208900.
Familial cancer of breast. Also called: Hereditary breast cancer; BREAST CANCER, FAMILIAL; hereditary breast carcinoma. Identifiers: Orphanet 227535, MedGen C0346153, MONDO:0016419, OMIM 114480. Disease mechanism: loss of function.

Submissions (2):

Labcorp Genetics (formerly Invitae), Labcorp
Classification: Pathogenic for Ataxia-telangiectasia syndrome. Last evaluated: 2024-07-19. Review status: criteria provided, single submitter. Criteria: Invitae Variant Classification Sherloc (09022015). Collection method: clinical testing. Allele origin: germline.
Comment: This sequence change creates a premature translational stop signal (p.Met125Glnfs*2) in the ATM gene. It is expected to result in an absent or disrupted protein product. Loss-of-function variants in ATM are known to be pathogenic (PMID: 23807571, 25614872). This variant is not present in population databases (gnomAD no frequency). This variant has not been reported in the literature in individuals affected with ATM-related conditions. Algorithms developed to predict the effect of sequence changes on RNA splicing suggest that this variant may disrupt the consensus splice site. For these reasons, this variant has been classified as Pathogenic.

Fulgent Genetics
Classification: Likely pathogenic for Familial cancer of breast; Ataxia-telangiectasia syndrome. Last evaluated: 2024-03-07. Review status: criteria provided, single submitter. Criteria: ACMG Guidelines, 2015. Collection method: clinical testing. Allele origin: germline.

Literature cited by the submitters: PubMed 23807571 (cited by Labcorp Genetics (formerly Invitae), Labcorp); PubMed 25614872 (cited by Labcorp Genetics (formerly Invitae), Labcorp).

NM_000051.4(ATM):c.372_378del (p.Met125fs)

Gene: ATM (ATM serine/threonine kinase; plus strand). Cytogenetic location: 11q22.3.
Variant type: Deletion.
Coding change: c.372_378del on transcript NM_000051.4 (MANE Select); coding-DNA positions 372 to 378, 7 bases deleted (CATGGAT; older notation c.372_378delCATGGAT).
Protein change: p.Met125fs; shifts the reading frame from methionine 125.
Molecular consequence: frameshift variant.
Genome position (GRCh38, 1-based): chr11:108,235,710-108,235,716, CATGGAT deleted; deleting any 7 consecutive bases within chr11:108,235,708-108,235,716 gives the same sequence; the c. name uses the placement nearest the transcript's 3' end. VCF-style (leftmost placement, unchanged base first): chr11-108235707-TATCATGG-T. GRCh37 (hg19) VCF-style: chr11-108106434-TATCATGG-T.
Other names: c.372_378delCATGGAT, p.Met125Glnfs (NM_000051.3); c.372_378del, p.Met125fs (NM_001351834.2); c.372_378del (NM_000051.3); short protein forms M125fs.
Identifiers: ClinVar variation 3598922 (VCV003598922.3).
Genomic context (GRCh38, chr11:108,235,707, plus strand): 5'-TTTATTTGTTTATTTTGAAATAGGAGCACCTAGGCTAAAATGTCAAGAACTCTTAAATTA[TATCATGG>T]ATACAGTGAAAGATTCATCTAATGGTGCTATTTACGGAGCTGATTGTAGCAACATACTAC-3'